The following is an entry in ClinVar:

NM_022124.6(CDH23):c.7363-3T>G

Gene: CDH23 (cadherin related 23; plus strand). Cytogenetic location: 10q22.1.
Variant type: single nucleotide variant.
Coding change: c.7363-3T>G on transcript NM_022124.6 (MANE Select); 3 bases into the intron before coding-DNA position 7363, T replaced by G.
Molecular consequence: intron variant.
Genome position (GRCh38, 1-based): chr10:71,800,633, T>G. VCF-style: chr10-71800633-T-G. GRCh37 (hg19) VCF-style: chr10-73560390-T-G.
Other names: c.643-3T>G (NM_001171933.1, NM_001171934.1).
Identifiers: ClinVar variation 860976 (VCV000860976.7), dbSNP rs1841531559, ClinGen allele CA916083144.

ClinVar aggregate classification (germline): Uncertain significance (1 of 4 stars; one submission).

Submission:

Labcorp Genetics (formerly Invitae), Labcorp
Classification: Uncertain significance. Last evaluated: 2022-09-19. Review status: criteria provided, single submitter. Criteria: Invitae Variant Classification Sherloc (09022015). Collection method: clinical testing. Allele origin: germline.
Comment: This variant has not been reported in the literature in individuals affected with CDH23-related conditions. In summary, the available evidence is currently insufficient to determine the role of this variant in disease. Therefore, it has been classified as a Variant of Uncertain Significance. Variants that disrupt the consensus splice site are a relatively common cause of aberrant splicing (PMID: 17576681, 9536098). Algorithms developed to predict the effect of sequence changes on RNA splicing suggest that this variant may disrupt the consensus splice site. ClinVar contains an entry for this variant (Variation ID: 860976). This variant is not present in population databases (gnomAD no frequency). This sequence change falls in intron 52 of the CDH23 gene. It does not directly change the encoded amino acid sequence of the CDH23 protein. It affects a nucleotide within the consensus splice site.

Literature cited by the submitters: PubMed 17576681; PubMed 9536098.